The following is an entry in ClinVar:

NM_001353345.2(SETD1B):c.3019T>C (p.Cys1007Arg)

Gene: SETD1B (SET domain containing 1B, histone lysine methyltransferase; plus strand). Cytogenetic location: 12q24.31.
Variant type: single nucleotide variant.
Coding change: c.3019T>C on transcript NM_001353345.2 (MANE Select); coding-DNA position 3019, T replaced by C.
Protein change: p.Cys1007Arg; replaces cysteine 1007 with arginine.
Molecular consequence: missense variant.
Genome position (GRCh38, 1-based): chr12:121,817,411, T>C. VCF-style: chr12-121817411-T-C. GRCh37 (hg19) VCF-style: chr12-122255317-T-C.
Other names: short protein forms C1007R.
Identifiers: ClinVar variation 3770123 (VCV003770123.1).

ClinVar aggregate classification (germline): Uncertain significance (1 of 4 stars; one submission).

Submission:

GeneDx
Classification: Uncertain significance. Last evaluated: 2024-09-15. Review status: criteria provided, single submitter. Criteria: GeneDx Variant Classification Process June 2021. Collection method: clinical testing. Allele origin: germline. Affected: yes.
Comment: Not observed at significant frequency in large population cohorts (gnomAD); In silico analysis supports that this missense variant has a deleterious effect on protein structure/function; Has not been previously published as pathogenic or benign to our knowledge